The following is an entry in ClinVar:

ClinVar aggregate classification (germline): Uncertain significance (1 of 4 stars; one submission).

gnomAD v4.1: 1 of 1,608,294 alleles (0.000062%); highest among the groups gnomAD compares: Non-Finnish European, 0.000085%; no homozygotes.

Submission:

GeneDx
Classification: Uncertain significance. Last evaluated: 2023-07-31. Review status: criteria provided, single submitter. Criteria: GeneDx Variant Classification Process June 2021. Collection method: clinical testing. Allele origin: germline. Affected: yes.
Comment: Not observed at significant frequency in large population cohorts (gnomAD); In silico analysis supports that this missense variant does not alter protein structure/function; Has not been previously published as pathogenic or benign to our knowledge

NM_015021.3(ZNF292):c.5285T>C (p.Ile1762Thr)

Gene: ZNF292 (zinc finger protein 292; plus strand). Cytogenetic location: 6q14.3.
Variant type: single nucleotide variant.
Coding change: c.5285T>C on transcript NM_015021.3 (MANE Select); coding-DNA position 5285, T replaced by C.
Protein change: p.Ile1762Thr; replaces isoleucine 1762 with threonine.
Molecular consequence: missense variant.
Genome position (GRCh38, 1-based): chr6:87,258,914, T>C. VCF-style: chr6-87258914-T-C. GRCh37 (hg19) VCF-style: chr6-87968632-T-C.
Other names: c.4865T>C, p.Ile1622Thr (NM_001351444.2); short protein forms I1622T, I1762T.
Identifiers: ClinVar variation 3361621 (VCV003361621.1).